The following is an entry in ClinVar:

ClinVar aggregate classification (germline): Uncertain significance (1 of 4 stars; one submission).

Allele frequency attached by ClinVar (database versions not stated): gnomAD exomes below 0.00001; TOPMed below 0.00001.
gnomAD v4.1: 1 of 1,614,158 alleles (0.000062%); highest among the groups gnomAD compares: Non-Finnish European, 0.000085%; no homozygotes.

Submission:

Ambry Genetics
Classification: Uncertain significance. Last evaluated: 2022-05-28. Review status: criteria provided, single submitter. Criteria: Ambry Variant Classification Scheme 2023. Collection method: clinical testing. Allele origin: germline.
Comment: The p.M587I variant (also known as c.1761G>A), located in coding exon 11 of the POLQ gene, results from a G to A substitution at nucleotide position 1761. The methionine at codon 587 is replaced by isoleucine, an amino acid with highly similar properties. This amino acid position is conserved. In addition, this alteration is predicted to be tolerated by in silico analysis. Since supporting evidence is limited at this time, the clinical significance of this alteration remains unclear.

NM_199420.4(POLQ):c.1761G>A (p.Met587Ile)

Gene: POLQ (DNA polymerase theta; minus strand). Cytogenetic location: 3q13.33.
Variant type: single nucleotide variant.
Coding change: c.1761G>A on transcript NM_199420.4 (MANE Select); coding-DNA position 1761, G replaced by A.
Protein change: p.Met587Ile; replaces methionine 587 with isoleucine.
Molecular consequence: missense variant.
Genome position (GRCh38, 1-based): chr3:121,510,094, C>T on the plus strand (G>A on the coding strand, the complement: POLQ is on the minus strand). VCF-style: chr3-121510094-C-T. GRCh37 (hg19) VCF-style: chr3-121228941-C-T.
Other names: short protein forms M587I.
Identifiers: ClinVar variation 1779593 (VCV001779593.2), dbSNP rs1254688485, ClinGen allele CA354114555.